The following is an entry in ClinVar:

NM_000520.6(HEXA):c.237_253+7del

Gene: HEXA (hexosaminidase subunit alpha; minus strand). Cytogenetic location: 15q23.
Variant type: Deletion.
Coding change: c.237_253+7del on transcript NM_000520.6 (MANE Select); coding-DNA position 237 through 7 bases into the intron after coding-DNA position 253, 24 bases deleted (CCGTCCTTACCTCACAGGTGAGTC).
Molecular consequence: splice donor variant.
Genome position (GRCh38, 1-based): chr15:72,375,713-72,375,736, GACTCACCTGTGAGGTAAGGACGG deleted on the plus strand (CCGTCCTTACCTCACAGGTGAGTC on the coding strand, the reverse complement: HEXA is on the minus strand); deleting any 24 consecutive bases within chr15:72,375,713-72,375,737 gives the same sequence; the c. name uses the placement nearest the transcript's 3' end. VCF-style (leftmost placement, unchanged base first): chr15-72375712-CGACTCACCTGTGAGGTAAGGACGG-C. GRCh37 (hg19) VCF-style: chr15-72668053-CGACTCACCTGTGAGGTAAGGACGG-C.
Other names: c.237_253+7del (NM_001318825.2); c.237_253+7delCCGTCCTTACCTCACAGGTGAGTC (NM_000520.5).
Identifiers: ClinVar variation 552290 (VCV000552290.9), dbSNP rs770628999, ClinGen allele CA7645081.
Genomic context (GRCh38, chr15:72,375,712, plus strand): 5'-CCTGGGGGAACTGTCCCCAGGCAGGCACTCTCAGGGCCCAGGAACAGGGCGGGACAAGTC[CGACTCACCTGTGAGGTAAGGACGG>C]GGCCAAGACCCGGAACCGAAAAGCAGGTCACGATAGCGCTGGAAGGCCTCGTCGAGGACT-3'

ClinVar aggregate classification (germline): Pathogenic. Review status: criteria provided, multiple submitters, no conflicts (2 of 4 stars). 3 submissions from 3 submitters: Pathogenic (2). 1 of the submissions does not count toward it. Last evaluated 2025-11-04.

Conditions:
Tay-Sachs disease (TSD). Also called: GM2 gangliosidosis, type 1; Hexosaminidase alpha-subunit deficiency (variant B); Sphingolipidosis, Tay-Sachs; HEXA DEFICIENCY; HEXA Disorders; Hexosaminidase A Deficiency. Identifiers: Orphanet 845, MedGen C0039373, MONDO:0010100, OMIM 272800.

Submissions (3):

Natera, Inc.
Classification: Pathogenic for Tay-Sachs disease. Last evaluated: 2025-11-04. Review status: criteria provided, single submitter. Criteria: Natera Variant Classification Schema (03/2026). Collection method: clinical testing. Allele origin: germline.
Comment: The c.237_253+7delCCGTCCTTACCTCACAGGTGAGTC variant in HEXA is a deletion affecting a canonical splice donor site. This variant is expected to result in nonsense mediated decay, truncation, or a dysfunctional protein product. This variant is rare in the general population with a frequency below the threshold expected for the associated phenotype(s). This variant has been observed in one or more individuals affected with the associated recessive disease, as either homozygous or compound heterozygous with a second variant (PMID: 32302469). Given the available evidence, this variant is classified as Pathogenic.

Labcorp Genetics (formerly Invitae), Labcorp
Classification: Pathogenic for Tay-Sachs disease. Last evaluated: 2025-05-19. Review status: criteria provided, single submitter. Criteria: Invitae Variant Classification Sherloc (09022015). Collection method: clinical testing. Allele origin: germline.
Comment: This variant results in the deletion of part of exon 1 (c.237_253+7del) of the HEXA gene. It is expected to disrupt RNA splicing. Variants that disrupt the donor or acceptor splice site typically lead to a loss of protein function (PMID: 16199547), and loss-of-function variants in HEXA are known to be pathogenic (PMID: 1833974, 8490625). This variant is present in population databases (rs770628999, gnomAD 0.0009%). This variant has not been reported in the literature in individuals affected with HEXA-related conditions. ClinVar contains an entry for this variant (Variation ID: 552290). Experimental studies and prediction algorithms are not available or were not evaluated, and the functional significance of this variant is currently unknown. For these reasons, this variant has been classified as Pathogenic.

Counsyl
Classification: Likely pathogenic for Tay-Sachs disease. Last evaluated: 2017-06-02. Review status: no assertion criteria provided. Collection method: clinical testing. Allele origin: unknown. Not counted in ClinVar's aggregate classification.

Literature cited by the submitters: PubMed 32302469 (cited by Natera, Inc.); PubMed 16199547 (cited by Labcorp Genetics (formerly Invitae), Labcorp); PubMed 1833974 (cited by Labcorp Genetics (formerly Invitae), Labcorp); PubMed 8490625 (cited by Labcorp Genetics (formerly Invitae), Labcorp).